The following is an entry in ClinVar:

ClinVar aggregate classification (germline): Likely pathogenic (1 of 4 stars; one submission).

Conditions:
Neuronopathy, distal hereditary motor, autosomal dominant 11. Also called: NEUROPATHY, DISTAL HEREDITARY MOTOR, 11. Identifiers: MedGen C5882697, MONDO:0957875, OMIM 620528.

Submission:

Clinical Biomedical Laboratory, Shriners Hospital For Children - Canada
Classification: Likely pathogenic for Neuronopathy, distal hereditary motor, autosomal dominant 11. Last evaluated: 2025-10-05. Review status: criteria provided, single submitter. Criteria: ACMG Guidelines, 2015. Collection method: clinical testing. Allele origin: germline. Affected: yes.
Comment: This variant is predicted to substitute a phenylalanine residue by a serine residue in exon 24 and introduce a stop codon 18 amino acids downstream. This is expected to lead to nonsense-mediated decay of the affected transcript and loss of function of the affected allele. Heterozygous loss-of-function variants in SPTAN1 are an established cause of autosomal dominant distal hereditary motor neuronopathy type 11 (PMID 31332438). This variant is absent from the Genome Aggregation Database (v2.1.1).

Literature cited by the submitters: PubMed 31332438.

NM_001130438.3(SPTAN1):c.3290del (p.Phe1097fs)

Gene: SPTAN1 (spectrin alpha, non-erythrocytic 1; plus strand). Cytogenetic location: 9q34.11.
Variant type: Deletion.
Coding change: c.3290del on transcript NM_001130438.3 (MANE Select); coding-DNA position 3290, one base deleted (T; older notation c.3290delT).
Protein change: p.Phe1097fs; shifts the reading frame from phenylalanine 1097.
Molecular consequence: frameshift variant.
Genome position (GRCh38, 1-based): chr9:128,594,249, T deleted; the last of 2 consecutive T bases (chr9:128,594,248-128,594,249); deleting either gives the same sequence. VCF-style (leftmost placement, unchanged base first): chr9-128594247-GT-G. GRCh37 (hg19) VCF-style: chr9-131356526-GT-G.
Other names: c.3230del, p.Phe1077fs (NM_001195532.2, NM_001363765.2, NM_001375314.2 and 3 more transcripts); c.3290del, p.Phe1097fs (NM_001363759.2, NM_001375310.1, NM_001375311.2 and 4 more transcripts); c.3326del, p.Phe1109fs (NM_001375312.2, NM_001375318.1, NM_001438440.1); short protein forms F1077fs, F1097fs, F1109fs.
Identifiers: ClinVar variation 4280639 (VCV004280639.1).